The following is an entry in ClinVar:

ClinVar aggregate classification (germline): Conflicting classifications of pathogenicity. Review status: criteria provided, conflicting classifications (1 of 4 stars). 2 submissions from 2 submitters: Uncertain significance (1); Likely benign (1). Last evaluated 2024-12-02.

Conditions:
Combined oxidative phosphorylation defect type 27. Also called: Combined oxidative phosphorylation deficiency 27. Identifiers: Orphanet 477774, MedGen C5567608, MONDO:0014728, OMIM 616672.

Allele frequency attached by ClinVar (database versions not stated): gnomAD exomes 0.00005 and 0.00003; ExAC 0.00014; 1000 Genomes Project 30x 0.00016; 1000 Genomes Project 0.00020; TOPMed 0.00001; gnomAD 0.00002 and 0.00001.
gnomAD v4.1: 43 of 1,548,126 alleles (0.0028%); highest among the groups gnomAD compares: South Asian, 0.025%; no homozygotes.

Submissions (2):

Labcorp Genetics (formerly Invitae), Labcorp
Classification: Uncertain significance for Combined oxidative phosphorylation defect type 27. Last evaluated: 2024-12-02. Review status: criteria provided, single submitter. Criteria: Invitae Variant Classification Sherloc (09022015). Collection method: clinical testing. Allele origin: germline.
Comment: This sequence change falls in intron 14 of the CARS2 gene. It does not directly change the encoded amino acid sequence of the CARS2 protein. It affects a nucleotide within the consensus splice site. This variant is present in population databases (rs554100218, gnomAD 0.03%). This variant has not been reported in the literature in individuals affected with CARS2-related conditions. ClinVar contains an entry for this variant (Variation ID: 853005). Variants that disrupt the consensus splice site are a relatively common cause of aberrant splicing (PMID: 17576681, 9536098). Algorithms developed to predict the effect of sequence changes on RNA splicing suggest that this variant is not likely to affect RNA splicing. In summary, the available evidence is currently insufficient to determine the role of this variant in disease. Therefore, it has been classified as a Variant of Uncertain Significance.

Blueprint Genetics
Classification: Likely benign. Last evaluated: 2024-09-30. Review status: criteria provided, single submitter. Criteria: ACMG Guidelines, 2015. Collection method: clinical testing. Allele origin: germline.

Literature cited by the submitters: PubMed 17576681 (cited by Labcorp Genetics (formerly Invitae), Labcorp); PubMed 9536098 (cited by Labcorp Genetics (formerly Invitae), Labcorp).

NM_024537.4(CARS2):c.1623+3G>A

Gene: CARS2 (cysteinyl-tRNA synthetase 2, mitochondrial; minus strand). Cytogenetic location: 13q34.
Variant type: single nucleotide variant.
Coding change: c.1623+3G>A on transcript NM_024537.4 (MANE Select); 3 bases into the intron after coding-DNA position 1623, G replaced by A.
Molecular consequence: intron variant.
Genome position (GRCh38, 1-based): chr13:110,642,312, C>T on the plus strand (G>A on the coding strand, the complement: CARS2 is on the minus strand). VCF-style: chr13-110642312-C-T. GRCh37 (hg19) VCF-style: chr13-111294659-C-T.
Other names: c.837+3G>A (NM_001352252.2).
Identifiers: ClinVar variation 853005 (VCV000853005.8), dbSNP rs554100218, ClinGen allele CA7051591.